The following is an entry in ClinVar:

ClinVar aggregate classification (germline): Pathogenic (1 of 4 stars; one submission).

Conditions:
Familial thoracic aortic aneurysm and aortic dissection (TAAD). Also called: Thoracic aortic aneurysms and dissections. Identifiers: Orphanet 91387, MedGen C4707243, MONDO:0019625.

Submission:

Labcorp Genetics (formerly Invitae), Labcorp
Classification: Pathogenic for Familial thoracic aortic aneurysm and aortic dissection. Last evaluated: 2022-03-02. Review status: criteria provided, single submitter. Criteria: Invitae Variant Classification Sherloc (09022015). Collection method: clinical testing. Allele origin: germline.
Comment: This variant is not present in population databases (gnomAD no frequency). This missense change has been observed in individual(s) with clinical features of SMAD3-related conditions (Invitae). In at least one individual the variant was observed to be de novo. ClinVar contains an entry for this variant (Variation ID: 1066678). Advanced modeling of protein sequence and biophysical properties (such as structural, functional, and spatial information, amino acid conservation, physicochemical variation, residue mobility, and thermodynamic stability) performed at Invitae indicates that this missense variant is expected to disrupt SMAD3 protein function. This variant disrupts the p.Asp262 amino acid residue in SMAD3. Other variant(s) that disrupt this residue have been observed in individuals with SMAD3-related conditions (PMID: 29907982), which suggests that this may be a clinically significant amino acid residue. For these reasons, this variant has been classified as Pathogenic. This sequence change replaces aspartic acid, which is acidic and polar, with valine, which is neutral and non-polar, at codon 262 of the SMAD3 protein (p.Asp262Val).

Literature cited by the submitters: PubMed 29907982.

NM_005902.4(SMAD3):c.785A>T (p.Asp262Val)

Gene: SMAD3 (SMAD family member 3; plus strand). Cytogenetic location: 15q22.33.
Variant type: single nucleotide variant.
Coding change: c.785A>T on transcript NM_005902.4 (MANE Select); coding-DNA position 785, A replaced by T.
Protein change: p.Asp262Val; replaces aspartic acid 262 with valine.
Molecular consequence: missense variant.
Genome position (GRCh38, 1-based): chr15:67,181,367, A>T. VCF-style: chr15-67181367-A-T. GRCh37 (hg19) VCF-style: chr15-67473705-A-T.
Other names: c.470A>T, p.Asp157Val (NM_001145102.2); c.653A>T, p.Asp218Val (NM_001145103.2); c.200A>T, p.Asp67Val (NM_001145104.2); short protein forms D157V, D218V, D262V, D67V.
Identifiers: ClinVar variation 1066678 (VCV001066678.10), dbSNP rs2140314210, ClinGen allele CA392956262.
Genomic context (GRCh38, chr15:67,181,367, plus strand): 5'-AGCGCGTCGGGGAGACATTCCACGCCTCGCAGCCATCCATGACTGTGGATGGCTTCACCG[A>T]CCCCTCCAATTCGGAGCGCTTCTGCCTAGGGCTGCTCTCCAATGTCAACAGGAATGCAGC-3'
Protein context (NP_005893.1, residues 252-272): QPSMTVDGFT[Asp262Val]PSNSERFCLG